The following is an entry in ClinVar:

NM_000057.4(BLM):c.514_515del (p.Pro172fs)

Gene: BLM (BLM RecQ like helicase; plus strand). Cytogenetic location: 15q26.1.
Variant type: Deletion.
Coding change: c.514_515del on transcript NM_000057.4 (MANE Select); coding-DNA positions 514 to 515, 2 bases deleted (CC; older notation c.514_515delCC).
Protein change: p.Pro172fs; shifts the reading frame from proline 172.
Molecular consequence: frameshift variant. On other transcripts: 5 prime UTR variant (1).
Genome position (GRCh38, 1-based): chr15:90,749,782-90,749,783, CC deleted. VCF-style (leftmost placement, unchanged base first): chr15-90749781-ACC-A. GRCh37 (hg19) VCF-style: chr15-91293011-ACC-A.
Other names: c.514_515del, p.Pro172fs (NM_001287246.2, NM_001287247.2); c.-778_-777del (NM_001287248.2); short protein forms P172fs.
Identifiers: ClinVar variation 4063861 (VCV004063861.2).
Genomic context (GRCh38, chr15:90,749,781, plus strand): 5'-CAATGATTGGGATGATATGGATGACTTTGATACTTCTGAGACTTCAAAATCATTTGTTAC[ACC>A]ACCCCAAAGTCACTTTGTAAGAGTAAGCACTGCTCAGAAATCAAAAAAGGGTAAGAGAAA-3'

ClinVar aggregate classification (germline): Likely pathogenic (1 of 4 stars; one submission).

Conditions:
Bloom syndrome (BLM). Also called: Bloom-Torre-Machacek syndrome. Identifiers: Orphanet 125, MedGen C0005859, MONDO:0008876, OMIM 210900.

Submission:

Natera, Inc.
Classification: Likely pathogenic for Bloom syndrome. Last evaluated: 2025-05-14. Review status: criteria provided, single submitter. Criteria: Natera Variant Classification Schema (03/2026). Collection method: clinical testing. Allele origin: germline.
Comment: The c.514_515del variant in BLM is a frameshift variant predicted to shift the reading frame beginning at codon 172 and leads to a stop codon 18 codons downstream. This variant is expected to result in nonsense mediated decay, truncation, or a dysfunctional protein product. This variant is rare in the general population with a frequency below the threshold expected for the associated phenotype(s). Given the available evidence, this variant is classified as Likely Pathogenic.